The following is an entry in ClinVar:

ClinVar aggregate classification (germline): Uncertain significance. Review status: criteria provided, multiple submitters, no conflicts (2 of 4 stars). 2 submissions from 2 submitters: Uncertain significance (2). Last evaluated 2025-11-04.

Allele frequency attached by ClinVar (database versions not stated): gnomAD exomes 0.00007; ESP Exome Variant Server 0.00017; 1000 Genomes Project 0.00020; gnomAD 0.00021; TOPMed 0.00025; 1000 Genomes Project 30x 0.00031; ExAC 0.00034.
gnomAD v4.1: 126 of 1,547,468 alleles (0.0081%); highest among the groups gnomAD compares: African/African-American, 0.04%; 1 homozygote.

Submissions (3):

Women's Health and Genetics/Laboratory Corporation of America, LabCorp
Classification: Uncertain significance. Last evaluated: 2025-11-04. Review status: criteria provided, single submitter. Criteria: LabCorp Variant Classification Summary - May 2015. Collection method: clinical testing. Allele origin: germline.
Comment: Variant summary: FCSK c.2005C>T (p.Arg669X) results in a premature termination codon, predicted to cause a truncation of the encoded protein or absence of the protein due to nonsense mediated decay, however current evidence is not sufficient to establish loss of function as a mechanism for disease. The variant allele was found at a frequency of 0.00017 in 180874 control chromosomes. This frequency is not significantly higher than estimated for disease-causing variants in FCSK, allowing no conclusion about variant significance. To our knowledge, no occurrence of c.2005C>T in individuals affected with FCSK-related conditions and no experimental evidence demonstrating its impact on protein function have been reported. ClinVar contains an entry for this variant (Variation ID: 2176386). Based on the evidence outlined above, the variant was classified as uncertain significance.

Labcorp Genetics (formerly Invitae), Labcorp
Classification: Uncertain significance. Last evaluated: 2025-03-17. Review status: criteria provided, single submitter. Criteria: Invitae Variant Classification Sherloc (09022015). Collection method: clinical testing. Allele origin: germline.
Comment: This sequence change creates a premature translational stop signal (p.Arg669*) in the FUK gene. It is expected to result in an absent or disrupted protein product. However, the current clinical and genetic evidence is not sufficient to establish whether loss-of-function variants in FUK cause disease. This variant is present in population databases (rs376479038, gnomAD 0.2%), and has an allele count higher than expected for a pathogenic variant. This variant has not been reported in the literature in individuals affected with FUK-related conditions. ClinVar contains an entry for this variant (Variation ID: 2176386). In summary, the available evidence is currently insufficient to determine the role of this variant in disease. Therefore, it has been classified as a Variant of Uncertain Significance.

Dr. Peter K. Rogan Lab, Western University
No classification provided (evidence only). Condition: Sarcoma. Review status: no classification provided. Collection method: in vitro. Allele origin: not applicable. Functional consequence: retained intron. Not counted in ClinVar's aggregate classification.

NM_145059.3(FCSK):c.2005C>T (p.Arg669Ter)

Gene: FCSK (fucose kinase; plus strand). Cytogenetic location: 16q22.1.
Variant type: single nucleotide variant.
Coding change: c.2005C>T on transcript NM_145059.3 (MANE Select); coding-DNA position 2005, C replaced by T.
Protein change: p.Arg669Ter; replaces arginine 669 with a stop codon.
Molecular consequence: nonsense.
Genome position (GRCh38, 1-based): chr16:70,474,544, C>T. VCF-style: chr16-70474544-C-T. GRCh37 (hg19) VCF-style: chr16-70508447-C-T.
Other names: short protein forms R669*.
Identifiers: ClinVar variation 2176386 (VCV002176386.6), dbSNP rs376479038, ClinGen allele CA8143473.